The following is an entry in ClinVar:

ClinVar aggregate classification (germline): Conflicting classifications of pathogenicity. Review status: criteria provided, conflicting classifications (1 of 4 stars). 10 submissions from 10 submitters: Uncertain significance (2); Benign (3); Likely benign (4). 1 of the submissions does not count toward it. Last evaluated 2026-06-22.

Conditions:
RB1-related disorder. Also called: RB1-related condition.
Hereditary cancer-predisposing syndrome. Also called: Neoplastic Syndromes, Hereditary; Tumor predisposition; Hereditary Cancer Syndrome; Hereditary neoplastic syndrome. Identifiers: Orphanet 140162, MedGen C0027672, MeSH D009386, MONDO:0015356.
Retinoblastoma (RB1). Also called: RETINOBLASTOMA, SOMATIC. Identifiers: Orphanet 790, MedGen C0035335, MeSH D012175, MONDO:0008380, OMIM 180200, HP:0009919. Disease mechanism: loss of function. Inheritance: Both sporadic and heritable forms are tested..

Allele frequency attached by ClinVar (database versions not stated): gnomAD exomes 0.00007 and 0.00008; ESP Exome Variant Server 0.00008; ExAC 0.00011; gnomAD 0.00050 and 0.00051; 1000 Genomes Project 0.00080; TOPMed 0.00093; 1000 Genomes Project 30x 0.00094.
gnomAD v4.1: 199 of 1,612,902 alleles (0.012%); highest among the groups gnomAD compares: Admixed American, 0.15%; 2 homozygotes.

Submissions (10):

Myriad Genetics, Inc.
Classification: Likely benign for Retinoblastoma. Last evaluated: 2026-06-22. Review status: criteria provided, single submitter. Criteria: Myriad Autosomal Dominant, Autosomal Recessive and X-Linked Classification Criteria (2023). Collection method: clinical testing. Allele origin: unknown.
Comment: This variant is considered likely benign. This variant has been observed at a population frequency that is significantly greater than expected given the associated disease prevalence and penetrance.

Labcorp Genetics (formerly Invitae), Labcorp
Classification: Benign for Retinoblastoma. Last evaluated: 2026-01-28. Review status: criteria provided, single submitter. Criteria: Invitae Variant Classification Sherloc (09022015). Collection method: clinical testing. Allele origin: germline.

Genetic Diagnostic Laboratory, University of Pennsylvania School of Medicine
Classification: Likely benign for Retinoblastoma. Last evaluated: 2024-05-20. Review status: criteria provided, single submitter. Criteria: ACMG Guidelines, 2015. Collection method: clinical testing. Allele origin: germline. Affected: yes. Observed: 2 variant alleles.
Comment: Case and Pedigree Information: BILATERAL CASES:0, UNILATERAL CASES:2, TOTAL CASES:2, PEDIGREES:2. ACMG Codes Applied:BS1, BP4

Color Diagnostics, LLC DBA Color Health
Classification: Uncertain significance for Retinoblastoma. Last evaluated: 2024-05-12. Review status: criteria provided, single submitter. Criteria: ACMG Guidelines, 2015. Collection method: clinical testing. Allele origin: germline.
Comment: This missense variant replaces arginine with tryptophan at codon 798 of the RB1 protein. Computational prediction is inconclusive regarding the impact of this variant on protein structure and function. To our knowledge, functional studies have not been reported for this variant. This variant has not been reported in individuals affected with RB1-related disorders in the literature. This variant has been identified in 24/282766 chromosomes in the general population by the Genome Aggregation Database (gnomAD). The available evidence is insufficient to determine the role of this variant in disease conclusively. Therefore, this variant is classified as a Variant of Uncertain Significance.

All of Us Research Program, National Institutes of Health
Classification: Uncertain significance for Retinoblastoma. Last evaluated: 2024-01-11. Review status: criteria provided, single submitter. Criteria: ACMG Guidelines, 2015. Collection method: clinical testing. Allele origin: germline. Inheritance: Autosomal dominant inheritance. Observed: 52 variant alleles, 52 heterozygotes.
Comment: This missense variant replaces arginine with tryptophan at codon 798 of the RB1 protein. Computational prediction is inconclusive regarding the impact of this variant on protein structure and function (internally defined REVEL score threshold 0.5 < inconclusive < 0.7, PMID: 27666373). To our knowledge, functional studies have not been reported for this variant. This variant has not been reported in individuals affected with RB1-related disorders in the literature. This variant has been identified in 24/282766 chromosomes in the general population by the Genome Aggregation Database (gnomAD). The available evidence is insufficient to determine the role of this variant in disease conclusively. Therefore, this variant is classified as a Variant of Uncertain Significance.

This study involves interpretation of variants in research participants for the purpose of population health screening. Participant phenotype was not available at the time of variant classification. Additional details can be found in publication PMID: 35346344, PMCID: PMC8962531

Blueprint Genetics
Classification: Likely benign. Last evaluated: 2023-09-14. Review status: criteria provided, single submitter. Criteria: ACMG Guidelines, 2015. Collection method: clinical testing. Allele origin: germline.

Sema4
Classification: Likely benign for Hereditary cancer-predisposing syndrome. Last evaluated: 2020-11-25. Review status: criteria provided, single submitter. Criteria: Sema4 Curation Guidelines. Collection method: curation. Allele origin: germline.

Ambry Genetics
Classification: Benign for Hereditary cancer-predisposing syndrome. Last evaluated: 2019-04-19. Review status: criteria provided, single submitter. Criteria: Ambry Variant Classification Scheme 2023. Collection method: clinical testing. Allele origin: germline.

Breakthrough Genomics
Classification: Benign. Review status: criteria provided, single submitter. Criteria: ACMG Guidelines, 2015. Collection method: not provided. Allele origin: germline. Inheritance: Autosomal dominant inheritance. Affected: yes.

PreventionGenetics, part of Exact Sciences
Classification: Likely benign for RB1-related condition. Last evaluated: 2020-07-28. Review status: no assertion criteria provided. Collection method: clinical testing. Allele origin: germline. Not counted in ClinVar's aggregate classification.
Comment: This variant is classified as likely benign based on ACMG/AMP sequence variant interpretation guidelines (Richards et al. 2015 PMID: 25741868, with internal and published modifications).

Literature cited by the submitters: PubMed 24509483 (cited by Sema4).

NM_000321.3(RB1):c.2392C>T (p.Arg798Trp)

Gene: RB1 (RB transcriptional corepressor 1; plus strand). Cytogenetic location: 13q14.2.
Variant type: single nucleotide variant.
Coding change: c.2392C>T on transcript NM_000321.3 (MANE Select); coding-DNA position 2392, C replaced by T.
Protein change: p.Arg798Trp; replaces arginine 798 with tryptophan.
Molecular consequence: missense variant.
Genome position (GRCh38, 1-based): chr13:48,465,271, C>T. VCF-style: chr13-48465271-C-T. GRCh37 (hg19) VCF-style: chr13-49039407-C-T.
Other names: short protein forms R798W.
Identifiers: ClinVar variation 410950 (VCV000410950.24), dbSNP rs187912365, ClinGen allele CA035443.